The following is an entry in ClinVar:

NM_144997.7(FLCN):c.640G>C (p.Gly214Arg)

Gene: FLCN (folliculin; minus strand). Cytogenetic location: 17p11.2.
Variant type: single nucleotide variant.
Coding change: c.640G>C on transcript NM_144997.7 (MANE Select); coding-DNA position 640, G replaced by C.
Protein change: p.Gly214Arg; replaces glycine 214 with arginine.
Molecular consequence: missense variant.
Genome position (GRCh38, 1-based): chr17:17,222,640, C>G on the plus strand (G>C on the coding strand, the complement: FLCN is on the minus strand). VCF-style: chr17-17222640-C-G. GRCh37 (hg19) VCF-style: chr17-17125954-C-G.
Other names: c.694G>C, p.Gly232Arg (NM_001353229.2); c.640G>C, p.Gly214Arg (NM_001353230.2, NM_001353231.2, NM_144606.7); short protein forms G232R, G214R.
Identifiers: ClinVar variation 1753377 (VCV001753377.3), dbSNP rs2144951846, ClinGen allele CA398534109.

ClinVar aggregate classification (germline): Uncertain significance. Review status: criteria provided, multiple submitters, no conflicts (2 of 4 stars). 2 submissions from 2 submitters: Uncertain significance (2). Last evaluated 2023-07-11.

Conditions:
Hereditary cancer-predisposing syndrome. Also called: Neoplastic Syndromes, Hereditary; Tumor predisposition; Hereditary Cancer Syndrome; Hereditary neoplastic syndrome. Identifiers: Orphanet 140162, MedGen C0027672, MeSH D009386, MONDO:0015356.

Submissions (2):

GeneDx
Classification: Uncertain significance. Last evaluated: 2023-07-11. Review status: criteria provided, single submitter. Criteria: GeneDx Variant Classification Process June 2021. Collection method: clinical testing. Allele origin: germline. Affected: yes.
Comment: Not observed at significant frequency in large population cohorts (gnomAD); In silico analysis supports that this missense variant does not alter protein structure/function; Has not been previously published as pathogenic or benign to our knowledge

Ambry Genetics
Classification: Uncertain significance for Hereditary cancer-predisposing syndrome. Last evaluated: 2021-05-19. Review status: criteria provided, single submitter. Criteria: Ambry Variant Classification Scheme 2023. Collection method: clinical testing. Allele origin: germline.
Comment: The p.G214R variant (also known as c.640G>C), located in coding exon 4 of the FLCN gene, results from a G to C substitution at nucleotide position 640. The glycine at codon 214 is replaced by arginine, an amino acid with dissimilar properties. This amino acid position is well conserved in available vertebrate species. In addition, the in silico prediction for this alteration is inconclusive. Since supporting evidence is limited at this time, the clinical significance of this alteration remains unclear.